The following is an entry in ClinVar:

ClinVar aggregate classification (germline): Uncertain significance. Review status: criteria provided, multiple submitters, no conflicts (2 of 4 stars). 4 submissions from 4 submitters: Uncertain significance (4). Last evaluated 2024-10-22.

Conditions:
Inborn genetic diseases. Identifiers: MedGen C0950123, MeSH D030342.
Peroxisome biogenesis disorder 2B (PBD2B). Identifiers: Orphanet 44, MedGen C3550234, MONDO:0008736, OMIM 202370.

Allele frequency attached by ClinVar (database versions not stated): TOPMed below 0.00001; gnomAD 0.00001; gnomAD exomes 0.00001; ExAC 0.00002.
gnomAD v4.1: 14 of 1,613,952 alleles (0.00087%); highest among the groups gnomAD compares: South Asian, 0.0033%; no homozygotes.

Submissions (4):

Labcorp Genetics (formerly Invitae), Labcorp
Classification: Uncertain significance for Peroxisome biogenesis disorder 2B. Last evaluated: 2024-10-22. Review status: criteria provided, single submitter. Criteria: Invitae Variant Classification Sherloc (09022015). Collection method: clinical testing. Allele origin: germline.
Comment: This sequence change replaces arginine, which is basic and polar, with cysteine, which is neutral and slightly polar, at codon 333 of the PEX5 protein (p.Arg333Cys). This variant is present in population databases (rs756565648, gnomAD 0.003%). This variant has not been reported in the literature in individuals affected with PEX5-related conditions. ClinVar contains an entry for this variant (Variation ID: 281796). Invitae Evidence Modeling of protein sequence and biophysical properties (such as structural, functional, and spatial information, amino acid conservation, physicochemical variation, residue mobility, and thermodynamic stability) indicates that this missense variant is expected to disrupt PEX5 protein function with a positive predictive value of 80%. In summary, the available evidence is currently insufficient to determine the role of this variant in disease. Therefore, it has been classified as a Variant of Uncertain Significance.

Ambry Genetics
Classification: Uncertain significance for Inborn genetic diseases. Last evaluated: 2024-06-13. Review status: criteria provided, single submitter. Criteria: Ambry Variant Classification Scheme 2023. Collection method: clinical testing. Allele origin: germline.

Blueprint Genetics
Classification: Uncertain significance. Last evaluated: 2022-08-31. Review status: criteria provided, single submitter. Criteria: ACMG Guidelines, 2015. Collection method: clinical testing. Allele origin: germline.

Eurofins Ntd Llc (ga)
Classification: Uncertain significance. Last evaluated: 2017-08-08. Review status: criteria provided, single submitter. Criteria: EGL Classification Definitions 2015. Collection method: clinical testing. Allele origin: germline. Observed: 2 variant alleles, 2 heterozygotes.

NM_001351132.2(PEX5):c.997C>T (p.Arg333Cys)

Gene: PEX5 (peroxisomal biogenesis factor 5; plus strand). Cytogenetic location: 12p13.31.
Variant type: single nucleotide variant.
Coding change: c.997C>T on transcript NM_001351132.2 (MANE Select); coding-DNA position 997, C replaced by T.
Protein change: p.Arg333Cys; replaces arginine 333 with cysteine.
Molecular consequence: missense variant.
Genome position (GRCh38, 1-based): chr12:7,207,689, C>T. VCF-style: chr12-7207689-C-T. GRCh37 (hg19) VCF-style: chr12-7360285-C-T.
Other names: c.973C>T, p.Arg325Cys (NM_000319.5); c.1042C>T, p.Arg348Cys (NM_001131023.2); c.886C>T, p.Arg296Cys (NM_001131024.2, NM_001351124.3, NM_001351126.2 and 7 more transcripts); c.997C>T, p.Arg333Cys (NM_001131025.2, NM_001131026.2, NM_001300789.3 and 4 more transcripts); c.931C>T, p.Arg311Cys (NM_001351135.3, NM_001351138.2); c.988C>T, p.Arg330Cys (NM_001351136.2); c.862C>T, p.Arg288Cys (NM_001351139.2, NM_001351140.2, NM_001374649.2); c.997C>T (NM_001131025.1); short protein forms R325C, R333C, R311C, R288C, R296C, R330C, R348C.
Identifiers: ClinVar variation 281796 (VCV000281796.10), dbSNP rs756565648, ClinGen allele CA6426343.